The following is an entry in ClinVar:

NM_020207.7(ERCC6L2):c.1288_1289delinsAA (p.Cys430Asn)

Gene: ERCC6L2 (ERCC excision repair 6 like 2; plus strand). Cytogenetic location: 9q22.32.
Variant type: Indel.
Coding change: c.1288_1289delinsAA on transcript NM_020207.7 (MANE Select); coding-DNA positions 1288 to 1289, TG replaced by AA.
Protein change: p.Cys430Asn; replaces cysteine 430 with asparagine.
Molecular consequence: missense variant. On other transcripts: non-coding transcript variant (1).
Genome position (GRCh38, 1-based): chr9:95,921,304-95,921,305, TG replaced by AA. VCF-style: chr9-95921304-TG-AA. GRCh37 (hg19) VCF-style: chr9-98683586-TG-AA.
Other names: c.1288_1289delinsAA, p.Cys430Asn (NM_001010895.4, NM_001375291.1, NM_001375292.1 and 2 more transcripts); short protein forms C430N.
Identifiers: ClinVar variation 3381308 (VCV003381308.1).

ClinVar aggregate classification (germline): Uncertain significance (1 of 4 stars; one submission).

Submission:

GeneDx
Classification: Uncertain significance. Last evaluated: 2024-05-22. Review status: criteria provided, single submitter. Criteria: GeneDx Variant Classification Process June 2021. Collection method: clinical testing. Allele origin: germline. Affected: yes.
Comment: Not observed at significant frequency in large population cohorts (gnomAD); In silico analysis supports a deleterious effect on protein structure/function; Has not been previously published as pathogenic or benign to our knowledge